The following is an entry in ClinVar:

NC_000016.10:g.(?_68833280)_(68833509_?)del

Gene: CDH1 (cadherin 1; plus strand). Cytogenetic location: 16q22.1.
Variant type: Deletion.
Identifiers: ClinVar variation 583611 (VCV000583611.3).

ClinVar aggregate classification (germline): Pathogenic (1 of 4 stars; one submission).

Conditions:
Hereditary diffuse gastric adenocarcinoma (HDGC). Also called: DIFFUSE GASTRIC AND LOBULAR BREAST CANCER SYNDROME. Identifiers: Orphanet 26106, MedGen C1708349, MONDO:0007648, OMIM 137215.

Submission:

Labcorp Genetics (formerly Invitae), Labcorp
Classification: Pathogenic for Hereditary diffuse gastric cancer. Last evaluated: 2019-12-05. Review status: criteria provided, single submitter. Criteria: Invitae Variant Classification Sherloc (09022015). Collection method: clinical testing. Allele origin: germline.
Comment: This variant is a gross deletion of the genomic region encompassing exon 16 of the CDH1 gene. The 5' boundary is likely confined to intron 15. The 3' end of this event is unknown as it extends through the termination codon beyond the assayed region for this gene and may encompass additional genes. While this deletion is not anticipated to result in nonsense mediated decay, it is expected to create a truncated protein product or disrupt mRNA translation. A gross deletion of exon 16, with confirmed breakpoints, has been reported to co-segregate with disease in a single family with an extensive history of diffuse gastric cancer, gastric cancer of unknown histology, and lobular breast cancer (PMID: 19168852). This variant is expected to delete the C-terminal portion of the cytoplasmic domain of the CDH1 (E-cadherin) protein, which includes the binding domains for the PIP5K1C (phosphatidylinositol phosphate kinase, type I gamma) and CTNNB1 (beta-catenin) proteins (PMID: 22850631). Loss of these domains is expected to disrupt normal E-cadherin function. This suggests that deletion of this region of the CDH1 protein is causative of disease. For these reasons, this variant has been classified as Pathogenic.

Literature cited by the submitters: PubMed 19168852; PubMed 22850631.